The following is an entry in ClinVar:

NM_012213.3(MLYCD):c.7G>A (p.Gly3Ser)

Genes: MLYCD (malonyl-CoA decarboxylase; plus strand), LOC130059554 (ATAC-STARR-seq lymphoblastoid silent region 7769; plus strand). Cytogenetic location: 16q23.3.
Variant type: single nucleotide variant.
Coding change: c.7G>A on transcript NM_012213.3 (MANE Select); coding-DNA position 7, G replaced by A.
Protein change: p.Gly3Ser; replaces glycine 3 with serine.
Molecular consequence: missense variant.
Genome position (GRCh38, 1-based): chr16:83,899,151, G>A. VCF-style: chr16-83899151-G-A. GRCh37 (hg19) VCF-style: chr16-83932756-G-A.
Other names: short protein forms G3S.
Identifiers: ClinVar variation 1972100 (VCV001972100.4), dbSNP rs1468334078, ClinGen allele CA396917462.

ClinVar aggregate classification (germline): Uncertain significance. Review status: criteria provided, multiple submitters, no conflicts (2 of 4 stars). 2 submissions from 2 submitters: Uncertain significance (2). Last evaluated 2023-01-18.

Conditions:
Inborn genetic diseases. Identifiers: MedGen C0950123, MeSH D030342.
Deficiency of malonyl-CoA decarboxylase. Also called: Malonic aciduria; MCD deficiency. Identifiers: Orphanet 943, MedGen C0342793, MONDO:0009556, OMIM 248360.

Allele frequency attached by ClinVar (database versions not stated): TOPMed 0.00001.
gnomAD v4.1: 6 of 1,144,862 alleles (0.00052%); highest among the groups gnomAD compares: Non-Finnish European, 0.00064%; no homozygotes.

Submissions (2):

Ambry Genetics
Classification: Uncertain significance for Inborn genetic diseases. Last evaluated: 2023-01-18. Review status: criteria provided, single submitter. Criteria: Ambry Variant Classification Scheme 2023. Collection method: clinical testing. Allele origin: germline.

Labcorp Genetics (formerly Invitae), Labcorp
Classification: Uncertain significance for Deficiency of malonyl-CoA decarboxylase. Last evaluated: 2021-12-13. Review status: criteria provided, single submitter. Criteria: Invitae Variant Classification Sherloc (09022015). Collection method: clinical testing. Allele origin: germline.
Comment: This sequence change replaces glycine, which is neutral and non-polar, with serine, which is neutral and polar, at codon 3 of the MLYCD protein (p.Gly3Ser). This variant is not present in population databases (gnomAD no frequency). This variant has not been reported in the literature in individuals affected with MLYCD-related conditions. Algorithms developed to predict the effect of missense changes on protein structure and function are either unavailable or do not agree on the potential impact of this missense change (SIFT: "Deleterious"; PolyPhen-2: "Benign"; Align-GVGD: "Class C0"). In summary, the available evidence is currently insufficient to determine the role of this variant in disease. Therefore, it has been classified as a Variant of Uncertain Significance.